The following is an entry in ClinVar:

ClinVar aggregate classification (germline): Conflicting classifications of pathogenicity. Review status: criteria provided, conflicting classifications (1 of 4 stars). 2 submissions from 2 submitters: Likely pathogenic (1); Uncertain significance (1). Last evaluated 2020-07-25.

Conditions:
ITGB2-related disorder. Also called: ITGB2-related condition.
Leukocyte adhesion deficiency 1 (LAD1). Also called: LEUKOCYTE ADHESION DEFICIENCY, TYPE I; LAD 1; Lymphocyte function-associated antigen 1 immunodeficiency; LFA 1 immunodeficiency. Identifiers: Orphanet 2968, Orphanet 99842, MedGen C0398738, MONDO:0007293, OMIM 116920.

Allele frequency attached by ClinVar (database versions not stated): gnomAD 0.00001; TOPMed 0.00001; gnomAD exomes 0.00004 and 0.00006; ExAC 0.00005.

Submissions (2):

Labcorp Genetics (formerly Invitae), Labcorp
Classification: Uncertain significance for Leukocyte adhesion deficiency 1. Last evaluated: 2020-07-25. Review status: criteria provided, single submitter. Criteria: Invitae Variant Classification Sherloc (09022015). Collection method: clinical testing. Allele origin: germline.
Comment: This sequence change falls in intron 4 of the ITGB2 gene. It does not directly change the encoded amino acid sequence of the ITGB2 protein, but it affects a nucleotide within the consensus splice site of the intron. This variant is present in population databases (rs758945566, ExAC 0.05%). This variant has not been reported in the literature in individuals with ITGB2-related conditions. Nucleotide substitutions within the consensus splice site are a relatively common cause of aberrant splicing (PMID: 17576681, 9536098). Algorithms developed to predict the effect of sequence changes on RNA splicing suggest that this variant may disrupt the consensus splice site, but this prediction has not been confirmed by published transcriptional studies. In summary, the available evidence is currently insufficient to determine the role of this variant in disease. Therefore, it has been classified as a Variant of Uncertain Significance.

Blueprint Genetics
Classification: Likely pathogenic for ITGB2-related disorders. Last evaluated: 2019-06-19. Review status: criteria provided, single submitter. Criteria: ACMG Guidelines, 2015. Collection method: clinical testing. Allele origin: germline. Affected: yes. Observed: 4 variant alleles.

Literature cited by the submitters: PubMed 17576681 (cited by Labcorp Genetics (formerly Invitae), Labcorp); PubMed 9536098 (cited by Labcorp Genetics (formerly Invitae), Labcorp).

NM_000211.5(ITGB2):c.329-2dup

Gene: ITGB2 (integrin subunit beta 2; minus strand). Cytogenetic location: 21q22.3.
Variant type: Duplication.
Coding change: c.329-2dup on transcript NM_000211.5 (MANE Select); the canonical splice acceptor site of the intron before coding-DNA position 329, one base duplicated (A; older notation c.329-2dupA).
Molecular consequence: splice acceptor variant.
Genome position (GRCh38, 1-based): chr21:44,903,537, T duplicated on the plus strand (A on the coding strand, the reverse complement: ITGB2 is on the minus strand). VCF-style (leftmost placement, unchanged base first): chr21-44903536-C-CT. GRCh37 (hg19) VCF-style: chr21-46323451-C-CT.
Other names: c.329-2dup (NM_001127491.3); c.122-2dup (NM_001303238.2).
Identifiers: ClinVar variation 1042821 (VCV001042821.5), dbSNP rs758945566, ClinGen allele CA10063242.